The following is an entry in ClinVar:

NM_002227.4(JAK1):c.2632A>G (p.Ile878Val)

Gene: JAK1 (Janus kinase 1; minus strand). Cytogenetic location: 1p31.3.
Variant type: single nucleotide variant.
Coding change: c.2632A>G on transcript NM_002227.4 (MANE Select); coding-DNA position 2632, A replaced by G.
Protein change: p.Ile878Val; replaces isoleucine 878 with valine.
Molecular consequence: missense variant.
Genome position (GRCh38, 1-based): chr1:64,841,262, T>C on the plus strand (A>G on the coding strand, the complement: JAK1 is on the minus strand). VCF-style: chr1-64841262-T-C. GRCh37 (hg19) VCF-style: chr1-65306945-T-C.
Other names: c.2632A>G (NM_002227.3); c.2632A>G, p.Ile878Val (NM_001320923.2, NM_001321852.2, NM_001321853.2 and 3 more transcripts); c.2629A>G, p.Ile877Val (NM_001321857.2); short protein forms I877V, I878V.
Identifiers: ClinVar variation 1575585 (VCV001575585.10), dbSNP rs553794700, ClinGen allele CA892628.

ClinVar aggregate classification (germline): Likely benign. Review status: criteria provided, single submitter (1 of 4 stars). 2 submissions from 2 submitters: Likely benign (1). 1 of the submissions does not count toward it. Last evaluated 2025-12-03.

Conditions:
JAK1-related disorder. Also called: JAK1-related condition.

Allele frequency attached by ClinVar (database versions not stated): gnomAD 0.00001 and 0.00013; TOPMed 0.00002; gnomAD exomes 0.00027 and 0.00051; ExAC 0.00054; 1000 Genomes Project 0.00060; 1000 Genomes Project 30x 0.00062.
gnomAD v4.1: 402 of 1,613,874 alleles (0.025%); highest among the groups gnomAD compares: South Asian, 0.43%; 2 homozygotes.

Submissions (2):

Labcorp Genetics (formerly Invitae), Labcorp
Classification: Likely benign. Last evaluated: 2025-12-03. Review status: criteria provided, single submitter. Criteria: Invitae Variant Classification Sherloc (09022015). Collection method: clinical testing. Allele origin: germline.

PreventionGenetics, part of Exact Sciences
Classification: Likely benign for JAK1-related condition. Last evaluated: 2023-04-25. Review status: no assertion criteria provided. Collection method: clinical testing. Allele origin: germline. Not counted in ClinVar's aggregate classification.
Comment: This variant is classified as likely benign based on ACMG/AMP sequence variant interpretation guidelines (Richards et al. 2015 PMID: 25741868, with internal and published modifications).